The following is an entry in ClinVar:

NM_006662.3(SRCAP):c.6004C>T (p.Arg2002Cys)

Gene: SRCAP (Snf2 related CREBBP activator protein; plus strand). Cytogenetic location: 16p11.2.
Variant type: single nucleotide variant.
Coding change: c.6004C>T on transcript NM_006662.3 (MANE Select); coding-DNA position 6004, C replaced by T.
Protein change: p.Arg2002Cys; replaces arginine 2002 with cysteine.
Molecular consequence: missense variant.
Genome position (GRCh38, 1-based): chr16:30,729,449, C>T. VCF-style: chr16-30729449-C-T. GRCh37 (hg19) VCF-style: chr16-30740770-C-T.
Other names: short protein forms R2002C.
Identifiers: ClinVar variation 3605274 (VCV003605274.2).

ClinVar aggregate classification (germline): Uncertain significance (1 of 4 stars; one submission).

gnomAD v4.1: 44 of 1,614,102 alleles (0.0027%); highest among the groups gnomAD compares: Non-Finnish European, 0.0032%; no homozygotes.

Submission:

Labcorp Genetics (formerly Invitae), Labcorp
Classification: Uncertain significance. Last evaluated: 2024-11-29. Review status: criteria provided, single submitter. Criteria: Invitae Variant Classification Sherloc (09022015). Collection method: clinical testing. Allele origin: germline.
Comment: This sequence change replaces arginine, which is basic and polar, with cysteine, which is neutral and slightly polar, at codon 2002 of the SRCAP protein (p.Arg2002Cys). This variant is present in population databases (rs768710823, gnomAD 0.008%). This variant has not been reported in the literature in individuals affected with SRCAP-related conditions. Invitae Evidence Modeling of protein sequence and biophysical properties (such as structural, functional, and spatial information, amino acid conservation, physicochemical variation, residue mobility, and thermodynamic stability) indicates that this missense variant is not expected to disrupt SRCAP protein function with a negative predictive value of 80%. In summary, the available evidence is currently insufficient to determine the role of this variant in disease. Therefore, it has been classified as a Variant of Uncertain Significance.